The following is an entry in ClinVar:

NM_001127208.3(TET2):c.1591C>A (p.Gln531Lys)

Genes: TET2 (tet methylcytosine dioxygenase 2; plus strand), TET2-AS1 (TET2 antisense RNA 1; minus strand). Cytogenetic location: 4q24.
Variant type: single nucleotide variant.
Coding change: c.1591C>A on transcript NM_001127208.3 (MANE Select); coding-DNA position 1591, C replaced by A.
Protein change: p.Gln531Lys; replaces glutamine 531 with lysine.
Molecular consequence: missense variant.
Genome position (GRCh38, 1-based): chr4:105,235,533, C>A. VCF-style: chr4-105235533-C-A. GRCh37 (hg19) VCF-style: chr4-106156690-C-A.
Other names: c.1591C>A, p.Gln531Lys (NM_017628.4); short protein forms Q531K.
Identifiers: ClinVar variation 3967558 (VCV003967558.1).

ClinVar aggregate classification (germline): Uncertain significance (1 of 4 stars; one submission).

Submission:

Ambry Genetics
Classification: Uncertain significance. Last evaluated: 2025-04-12. Review status: criteria provided, single submitter. Criteria: Ambry Variant Classification Scheme 2023. Collection method: clinical testing. Allele origin: germline.
Comment: The p.Q531K variant (also known as c.1591C>A), located in coding exon 1 of the TET2 gene, results from a C to A substitution at nucleotide position 1591. The glutamine at codon 531 is replaced by lysine, an amino acid with similar properties. This amino acid position is conserved. In addition, this alteration is predicted to be tolerated by in silico analysis. Based on the available evidence, the clinical significance of this variant remains unclear.